The following is an entry in ClinVar:

NM_000051.4(ATM):c.6293T>G (p.Leu2098Arg)

Genes: ATM (ATM serine/threonine kinase; plus strand), C11orf65 (chromosome 11 open reading frame 65; minus strand). Cytogenetic location: 11q22.3.
Variant type: single nucleotide variant.
Coding change: c.6293T>G on transcript NM_000051.4 (MANE Select); coding-DNA position 6293, T replaced by G.
Protein change: p.Leu2098Arg; replaces leucine 2098 with arginine.
Molecular consequence: missense variant. On other transcripts: intron variant (2).
Genome position (GRCh38, 1-based): chr11:108,317,467, T>G. VCF-style: chr11-108317467-T-G. GRCh37 (hg19) VCF-style: chr11-108188194-T-G.
Other names: c.6293T>G, p.Leu2098Arg (NM_001351834.2); c.641-8396A>C (NM_001330368.2); c.*39-8396A>C (NM_001351110.2); short protein forms L2098R.
Identifiers: ClinVar variation 582275 (VCV000582275.12), dbSNP rs587780631, ClinGen allele CA382552071.

ClinVar aggregate classification (germline): Uncertain significance. Review status: criteria provided, multiple submitters, no conflicts (2 of 4 stars). 2 submissions from 2 submitters: Uncertain significance (2). Last evaluated 2024-09-04.

Conditions:
Hereditary cancer-predisposing syndrome. Also called: Hereditary Cancer Syndrome; Neoplastic Syndromes, Hereditary; Tumor predisposition; Hereditary neoplastic syndrome. Identifiers: Orphanet 140162, MedGen C0027672, MeSH D009386, MONDO:0015356.
Ataxia-telangiectasia syndrome (AT). Also called: Cerebello-oculocutaneous telangiectasia; Immunodeficiency with ataxia telangiectasia; Ataxia-telangiectasia, complementation group E; Ataxia-telangiectasia, complementation group D; AT, COMPLEMENTATION GROUP C; ATAXIA-TELANGIECTASIA, COMPLEMENTATION GROUP A. Identifiers: Orphanet 100, MedGen C0004135, MONDO:0008840, OMIM 208900.

gnomAD v4.1: 1 of 1,612,618 alleles (0.000062%); highest among the groups gnomAD compares: Non-Finnish European, 0.000085%; no homozygotes.

Submissions (2):

Ambry Genetics
Classification: Uncertain significance for Hereditary cancer-predisposing syndrome. Last evaluated: 2024-09-04. Review status: criteria provided, single submitter. Criteria: Ambry Variant Classification Scheme 2023. Collection method: clinical testing. Allele origin: germline.
Comment: The p.L2098R variant (also known as c.6293T>G), located in coding exon 42 of the ATM gene, results from a T to G substitution at nucleotide position 6293. The leucine at codon 2098 is replaced by arginine, an amino acid with dissimilar properties. This amino acid position is well conserved in available vertebrate species. In addition, this alteration is predicted to be deleterious by in silico analysis. Based on the available evidence, the clinical significance of this variant remains unclear.

Labcorp Genetics (formerly Invitae), Labcorp
Classification: Uncertain significance for Ataxia-telangiectasia syndrome. Last evaluated: 2021-09-01. Review status: criteria provided, single submitter. Criteria: Invitae Variant Classification Sherloc (09022015). Collection method: clinical testing. Allele origin: germline.
Comment: This sequence change replaces leucine with arginine at codon 2098 of the ATM protein (p.Leu2098Arg). The leucine residue is moderately conserved and there is a moderate physicochemical difference between leucine and arginine. This variant is not present in population databases (ExAC no frequency). This variant has not been reported in the literature in individuals affected with ATM-related conditions. Algorithms developed to predict the effect of missense changes on protein structure and function are either unavailable or do not agree on the potential impact of this missense change (SIFT: "Tolerated"; PolyPhen-2: "Possibly Damaging"; Align-GVGD: "Class C0"). In summary, the available evidence is currently insufficient to determine the role of this variant in disease. Therefore, it has been classified as a Variant of Uncertain Significance.